The following is an entry in ClinVar:

NM_000520.6(HEXA):c.616G>C (p.Val206Leu)

Gene: HEXA (hexosaminidase subunit alpha; minus strand). Cytogenetic location: 15q23.
Variant type: single nucleotide variant.
Coding change: c.616G>C on transcript NM_000520.6 (MANE Select); coding-DNA position 616, G replaced by C.
Protein change: p.Val206Leu; replaces valine 206 with leucine.
Molecular consequence: missense variant. On other transcripts: non-coding transcript variant (1).
Genome position (GRCh38, 1-based): chr15:72,351,189, C>G on the plus strand (G>C on the coding strand, the complement: HEXA is on the minus strand). VCF-style: chr15-72351189-C-G. GRCh37 (hg19) VCF-style: chr15-72643530-C-G.
Other names: c.649G>C, p.Val217Leu (NM_001318825.2); short protein forms V206L, V217L.
Identifiers: ClinVar variation 375354 (VCV000375354.2), dbSNP rs543071358, ClinGen allele CA16044207.

ClinVar aggregate classification (germline): Likely pathogenic (0 of 4 stars; one submission).

Conditions:
Tay-Sachs disease (TSD). Also called: HEXA DEFICIENCY; GM2 gangliosidosis, type 1; Hexosaminidase alpha-subunit deficiency (variant B); Sphingolipidosis, Tay-Sachs; Hexosaminidase A Deficiency; HEXA Disorders. Identifiers: Orphanet 845, MedGen C0039373, MONDO:0010100, OMIM 272800.

gnomAD v4.1: 1 of 1,613,184 alleles (0.000062%); highest among the groups gnomAD compares: South Asian, 0.0011%; no homozygotes.

Submission:

Foundation for Research in Genetics and Endocrinology, FRIGE's Institute of Human Genetics
Classification: Likely pathogenic for Tay-Sachs disease. Last evaluated: 2014-11-14. Review status: no assertion criteria provided. Collection method: research. Allele origin: germline. Inheritance: Autosomal recessive inheritance. Affected: yes. Observed: 1 homozygote.
Comment: Variant was found to be pathogenic by online software Mutation Taster, SIFT and Plypehn2